The following is an entry in ClinVar:

NM_003482.4(KMT2D):c.5822T>C (p.Met1941Thr)

Gene: KMT2D (lysine methyltransferase 2D; minus strand). Cytogenetic location: 12q13.12.
Variant type: single nucleotide variant.
Coding change: c.5822T>C on transcript NM_003482.4 (MANE Select); coding-DNA position 5822, T replaced by C.
Protein change: p.Met1941Thr; replaces methionine 1941 with threonine.
Molecular consequence: missense variant.
Genome position (GRCh38, 1-based): chr12:49,042,606, A>G on the plus strand (T>C on the coding strand, the complement: KMT2D is on the minus strand). VCF-style: chr12-49042606-A-G. GRCh37 (hg19) VCF-style: chr12-49436389-A-G.
Other names: short protein forms M1941T.
Identifiers: ClinVar variation 4702764 (VCV004702764.1).

ClinVar aggregate classification (germline): Uncertain significance (1 of 4 stars; one submission).

Conditions:
Kabuki syndrome. Also called: NIIKAWA-KUROKI SYNDROME; Kabuki make-up syndrome. Identifiers: Orphanet 2322, MedGen C0796004, MONDO:0016512.

Submission:

Labcorp Genetics (formerly Invitae), Labcorp
Classification: Uncertain significance for Kabuki syndrome. Last evaluated: 2025-03-19. Review status: criteria provided, single submitter. Criteria: Invitae Variant Classification Sherloc (09022015). Collection method: clinical testing. Allele origin: germline.
Comment: This sequence change replaces methionine, which is neutral and non-polar, with threonine, which is neutral and polar, at codon 1941 of the KMT2D protein (p.Met1941Thr). This variant is not present in population databases (gnomAD no frequency). This variant has not been reported in the literature in individuals affected with KMT2D-related conditions. Invitae Evidence Modeling of protein sequence and biophysical properties (such as structural, functional, and spatial information, amino acid conservation, physicochemical variation, residue mobility, and thermodynamic stability) indicates that this missense variant is not expected to disrupt KMT2D protein function with a negative predictive value of 95%. In summary, the available evidence is currently insufficient to determine the role of this variant in disease. Therefore, it has been classified as a Variant of Uncertain Significance.